The following is an entry in ClinVar:

ClinVar aggregate classification (germline): Uncertain significance. Review status: criteria provided, multiple submitters, no conflicts (2 of 4 stars). 2 submissions from 2 submitters: Uncertain significance (2). Last evaluated 2024-08-15.

Conditions:
Cardiovascular phenotype. Identifiers: MedGen CN230736.

gnomAD v4.1: 181 of 1,614,164 alleles (0.011%); highest among the groups gnomAD compares: Non-Finnish European, 0.0085%; no homozygotes.

Submissions (2):

Mayo Clinic Laboratories, Mayo Clinic
Classification: Uncertain significance. Last evaluated: 2024-08-15. Review status: criteria provided, single submitter. Criteria: ACMG Guidelines, 2015. Collection method: clinical testing. Allele origin: germline. Observed: 1 variant allele.
Comment: PS4_supporting

Ambry Genetics
Classification: Uncertain significance for Cardiovascular phenotype. Last evaluated: 2024-07-08. Review status: criteria provided, single submitter. Criteria: Ambry Variant Classification Scheme 2023. Collection method: clinical testing. Allele origin: germline.
Comment: The p.D48V variant (also known as c.143A>T), located in coding exon 2 of the LPL gene, results from an A to T substitution at nucleotide position 143. The aspartic acid at codon 48 is replaced by valine, an amino acid with highly dissimilar properties. This alteration has been reported in a familial combined hyperlipidemia cohort and an in vitro study showed this variant showed a functionally normal result (Gagn&eacute; E et al. Arterioscler Thromb, 1994 Aug;14:1250-7). This amino acid position is not well conserved in available vertebrate species. In addition, the in silico prediction for this alteration is inconclusive. Based on the available evidence, the clinical significance of this variant remains unclear.

Literature cited by the submitters: PubMed 29976289 (cited by Mayo Clinic Laboratories, Mayo Clinic); PubMed 32041611 (cited by Mayo Clinic Laboratories, Mayo Clinic); PubMed 36325899 (cited by Mayo Clinic Laboratories, Mayo Clinic); PubMed 8049185 (cited by Mayo Clinic Laboratories, Mayo Clinic and Ambry Genetics).

NM_000237.3(LPL):c.143A>T (p.Asp48Val)

Gene: LPL (lipoprotein lipase; plus strand). Cytogenetic location: 8p21.3.
Variant type: single nucleotide variant.
Coding change: c.143A>T on transcript NM_000237.3 (MANE Select); coding-DNA position 143, A replaced by T.
Protein change: p.Asp48Val; replaces aspartic acid 48 with valine.
Molecular consequence: missense variant.
Genome position (GRCh38, 1-based): chr8:19,948,234, A>T. VCF-style: chr8-19948234-A-T. GRCh37 (hg19) VCF-style: chr8-19805745-A-T.
Other names: p.Asp48Val; c.143A>T (NM_000237.2); short protein forms D48V.
Identifiers: ClinVar variation 3379804 (VCV003379804.2).